The following is an entry in ClinVar:

NM_022124.6(CDH23):c.1291-89C>T

Gene: CDH23 (cadherin related 23; plus strand). Cytogenetic location: 10q22.1.
Variant type: single nucleotide variant.
Coding change: c.1291-89C>T on transcript NM_022124.6 (MANE Select); 89 bases into the intron before coding-DNA position 1291, C replaced by T.
Molecular consequence: intron variant.
Genome position (GRCh38, 1-based): chr10:71,646,370, C>T. VCF-style: chr10-71646370-C-T. GRCh37 (hg19) VCF-style: chr10-73406127-C-T.
Other names: c.1291-89C>T (NM_001171930.2, NM_001171931.2, NM_052836.4).
Identifiers: ClinVar variation 678795 (VCV000678795.2), dbSNP rs76800802, ClinGen allele CA13159373.
Genomic context (GRCh38, chr10:71,646,370, plus strand): 5'-GCTCGCAGTAGCACAGAGCTGGGATGGGCAGAGACTCTAACAGGTGCTCTGGGCTGGGGC[C>T]GGCAAAGGCATGGAGAGGACTTACAGGGACAAGGACTCTGGGAGGGGACATGTGGGAGCT-3'

ClinVar aggregate classification (germline): Likely benign. Review status: criteria provided, multiple submitters, no conflicts (2 of 4 stars). 2 submissions from 2 submitters: Likely benign (2). Last evaluated 2018-06-13.

Allele frequency attached by ClinVar (database versions not stated): 1000 Genomes Project 0.01338; 1000 Genomes Project 30x 0.01390; gnomAD 0.02530 and 0.02627; TOPMed 0.02703; gnomAD exomes 0.03441.
gnomAD v4.1: 52,175 of 1,559,868 alleles (3.3%); highest among the groups gnomAD compares: Non-Finnish European, 4%; 1,021 homozygotes.

Submissions (2):

GeneDx
Classification: Likely benign. Last evaluated: 2018-06-13. Review status: criteria provided, single submitter. Criteria: GeneDx Variant Classification (06012015). Collection method: clinical testing. Allele origin: germline. Affected: yes.
Comment: This variant is considered likely benign or benign based on one or more of the following criteria: it is a conservative change, it occurs at a poorly conserved position in the protein, it is predicted to be benign by multiple in silico algorithms, and/or has population frequency not consistent with disease.

Breakthrough Genomics
Classification: Likely benign. Review status: criteria provided, single submitter. Criteria: ACMG Guidelines, 2015. Collection method: not provided. Allele origin: germline. Inheritance: Autosomal recessive inheritance. Affected: yes.